The following is an entry in ClinVar:

NM_004380.3(CREBBP):c.336G>C (p.Met112Ile)

Gene: CREBBP (CREB binding lysine acetyltransferase; minus strand). Cytogenetic location: 16p13.3.
Variant type: single nucleotide variant.
Coding change: c.336G>C on transcript NM_004380.3 (MANE Select); coding-DNA position 336, G replaced by C.
Protein change: p.Met112Ile; replaces methionine 112 with isoleucine.
Molecular consequence: missense variant.
Genome position (GRCh38, 1-based): chr16:3,850,759, C>G on the plus strand (G>C on the coding strand, the complement: CREBBP is on the minus strand). VCF-style: chr16-3850759-C-G. GRCh37 (hg19) VCF-style: chr16-3900760-C-G.
Other names: c.336G>C, p.Met112Ile (NM_001079846.1); short protein forms M112I.
Identifiers: ClinVar variation 3254740 (VCV003254740.1), dbSNP rs1350189116.
Genomic context (GRCh38, chr16:3,850,759, plus strand): 5'-GCTGGGGGCTGAAGAATCTCCCTGGCTCAGAGGGCTCTTGCCCATGGCACTGAGGCTGGC[C>G]ATGTTAGCACTGTTCGGCTGCCCTTGAGCCTGGCCACCCAGGCCCTGCTGCACGGGGCTG-3'
Protein context (NP_004371.2, residues 102-122): QAQGQPNSAN[Met112Ile]ASLSAMGKSP

ClinVar aggregate classification (germline): Uncertain significance (1 of 4 stars; one submission).

Conditions:
Rubinstein-Taybi syndrome due to CREBBP mutations (RSTS1). Also called: RUBINSTEIN-TAYBI SYNDROME 1, INCOMPLETE; BROAD THUMB-HALLUX SYNDROME; Rubinstein-Taybi syndrome 1; CREBBP-Related Rubinstein-Taybi Syndrome; BROAD THUMBS AND GREAT TOES, CHARACTERISTIC FACIES, AND IMPAIRED INTELLECTUAL DEVELOPMENT; RUBINSTEIN SYNDROME. Identifiers: Orphanet 353277, Orphanet 783, MedGen C4551859, MONDO:0008393, OMIM 180849.

Submission:

Victorian Clinical Genetics Services, Murdoch Childrens Research Institute
Classification: Uncertain significance for Rubinstein-Taybi syndrome due to CREBBP mutations. Last evaluated: 2023-07-17. Review status: criteria provided, single submitter. Criteria: ACMG Guidelines, 2015. Collection method: clinical testing. Allele origin: germline. Inheritance: Autosomal dominant inheritance. Affected: yes.
Comment: Based on the classification scheme VCGS_Germline_v1.3.4, this variant is classified as VUS-3C. Following criteria are met: 0102 - Loss of function is a known mechanism of disease in this gene and is associated with Menke-Hennekam syndrome 1 (MIM#618332) and Rubinstein-Taybi syndrome 1 (MIM#180849). (I) 0107 - This gene is associated with autosomal dominant disease. (I) 0200 - Variant is predicted to result in a missense amino acid change from methionine to isoleucine. (I) 0251 - This variant is heterozygous. (I) 0301 - Variant is absent from gnomAD (both v2 and v3). (SP) 0309 - Multiple alternative amino acid changes at the same position have been observed in gnomAD (v2) (highest allele count: 1 heterozygote, 0 homozygotes). (I) 0503 - Missense variant consistently predicted to be tolerated by multiple in silico tools or not conserved in placental mammals with a minor amino acid change. (SB) 0604 - Variant is not located in an established domain, motif, hotspot or informative constraint region. (I) 0705 - No comparable missense variants have previous evidence for pathogenicity. (I) 0807 - This variant has no previous evidence of pathogenicity. (I) 0905 - No published segregation evidence has been identified for this variant. (I) 1007 - No published functional evidence has been identified for this variant. (I) 1208 - Inheritance information for this variant is not currently available in this individual. (I) Legend: (SP) - Supporting pathogenic, (I) - Information, (SB) - Supporting benign